The following is an entry in ClinVar:

NC_000005.10:g.(?_45261901)_(45696113_?)dup

Gene: HCN1 (hyperpolarization activated cyclic nucleotide gated potassium channel 1; minus strand). Cytogenetic location: 5p12.
Variant type: Duplication.
Identifiers: ClinVar variation 832657 (VCV000832657.2).

ClinVar aggregate classification (germline): Uncertain significance (1 of 4 stars; one submission).

Conditions:
Developmental and epileptic encephalopathy. Identifiers: MedGen C5779964, MONDO:0100620.

Submission:

Labcorp Genetics (formerly Invitae), Labcorp
Classification: Uncertain significance for Early infantile epileptic encephalopathy with suppression bursts. Last evaluated: 2019-09-17. Review status: criteria provided, single submitter. Criteria: Invitae Variant Classification Sherloc (09022015). Collection method: clinical testing. Allele origin: germline.
Comment: This variant results in a copy number gain of the genomic region encompassing the full coding sequence of the HCN1 gene. The boundaries of this event are unknown as they extend beyond the assayed region for this gene and therefore may encompass additional genes. As the precise location of this event is unknown, it may be in tandem or it may be located elsewhere in the genome. This variant has not been reported in the literature in individuals with HCN1-related conditions. Experimental studies and prediction algorithms are not available or were not evaluated for this variant, and the functional significance of this variant is currently unknown. In summary, the available evidence is currently insufficient to determine the role of this variant in disease. Therefore, it has been classified as a Variant of Uncertain Significance.